The following is an entry in ClinVar:

ClinVar aggregate classification (germline): Pathogenic. Review status: reviewed by expert panel (3 of 4 stars). 8 submissions from 8 submitters: Pathogenic (1). 7 of the submissions do not count toward it. Last evaluated 2017-12-15.

Conditions:
Breast-ovarian cancer, familial, susceptibility to, 2 (BROVCA2). Also called: BRCA2 Hereditary Breast and Ovarian Cancer. Identifiers: Orphanet 145, MedGen C2675520, MONDO:0012933, OMIM 612555. Disease mechanism: loss of function.
Hereditary cancer-predisposing syndrome. Also called: Tumor predisposition; Neoplastic Syndromes, Hereditary; Hereditary Cancer Syndrome; Hereditary neoplastic syndrome. Identifiers: Orphanet 140162, MedGen C0027672, MeSH D009386, MONDO:0015356.
Hereditary breast ovarian cancer syndrome. Also called: Hereditary breast and ovarian cancer; Hereditary breast and ovarian cancer syndrome (HBOC); Hereditary breast and/or ovarian cancer syndrome; Hereditary breast and ovarian cancer syndrome; Breast and ovarian cancer; BRCA1- and BRCA2-Associated Hereditary Breast and Ovarian Cancer. Identifiers: Orphanet 145, MedGen C0677776, MeSH D061325, MONDO:0003582. Disease mechanism: loss of function.
Familial cancer of breast. Also called: hereditary breast carcinoma; BREAST CANCER, FAMILIAL; Hereditary breast cancer. Identifiers: Orphanet 227535, MedGen C0346153, MONDO:0016419, OMIM 114480. Disease mechanism: loss of function.

Submissions (8):

Evidence-based Network for the Interpretation of Germline Mutant Alleles (ENIGMA)
Classification: Pathogenic for Breast-ovarian cancer, familial, susceptibility to, 2. Last evaluated: 2017-12-15. Review status: reviewed by expert panel. Criteria: ENIGMA BRCA1/2 Classification Criteria (2017-06-29). Collection method: curation. Allele origin: germline. Study: ENIGMA.
Comment: Variant allele predicted to encode a truncated non-functional protein.

Women's Health and Genetics/Laboratory Corporation of America, LabCorp
Classification: Pathogenic for Hereditary breast ovarian cancer syndrome. Last evaluated: 2026-06-15. Review status: criteria provided, single submitter. Criteria: LabCorp Variant Classification Summary - May 2015. Collection method: clinical testing. Allele origin: germline. Not counted in ClinVar's aggregate classification.
Comment: Variant summary: BRCA2 c.2623_2624delGT (p.Val875GlnfsX5) results in a premature termination codon, predicted to cause a truncation of the encoded protein or absence of the protein due to nonsense mediated decay, which are commonly known mechanisms for disease. The variant was absent in 226216 control chromosomes. c.2623_2624delGT has been observed in an setting of panel study on germline variants in Breast Cancer (Marabelli_2025). These report(s) do not provide unequivocal conclusions about association of the variant with disease. To our knowledge, no experimental evidence demonstrating an impact on protein function has been reported. The following publication have been ascertained in the context of this evaluation (PMID: 40361347). ClinVar contains an entry for this variant (Variation ID: 231054). Based on the evidence outlined above, the variant was classified as pathogenic.

Labcorp Genetics (formerly Invitae), Labcorp
Classification: Pathogenic for Hereditary breast ovarian cancer syndrome. Last evaluated: 2024-10-15. Review status: criteria provided, single submitter. Criteria: Invitae Variant Classification Sherloc (09022015). Collection method: clinical testing. Allele origin: germline. Not counted in ClinVar's aggregate classification.
Comment: This sequence change creates a premature translational stop signal (p.Val875Glnfs*5) in the BRCA2 gene. It is expected to result in an absent or disrupted protein product. Loss-of-function variants in BRCA2 are known to be pathogenic (PMID: 20104584). This variant is not present in population databases (gnomAD no frequency). This variant has not been reported in the literature in individuals affected with BRCA2-related conditions. ClinVar contains an entry for this variant (Variation ID: 231054). For these reasons, this variant has been classified as Pathogenic.

Ambry Genetics
Classification: Pathogenic for Hereditary cancer-predisposing syndrome. Last evaluated: 2024-04-16. Review status: criteria provided, single submitter. Criteria: Ambry Variant Classification Scheme 2023. Collection method: clinical testing. Allele origin: germline. Not counted in ClinVar's aggregate classification.
Comment: The c.2623_2624delGT pathogenic mutation, located in coding exon 10 of the BRCA2 gene, results from a deletion of two nucleotides at nucleotide positions 2623 to 2624, causing a translational frameshift with a predicted alternate stop codon (p.V875Qfs*5). This variant is considered to be rare based on population cohorts in the Genome Aggregation Database (gnomAD). This alteration is expected to result in loss of function by premature protein truncation or nonsense-mediated mRNA decay. As such, this alteration is interpreted as a disease-causing mutation.

Baylor Genetics
Classification: Likely pathogenic for Familial cancer of breast. Last evaluated: 2023-08-31. Review status: criteria provided, single submitter. Criteria: ACMG Guidelines, 2015. Collection method: clinical testing. Allele origin: unknown. Not counted in ClinVar's aggregate classification.

Color Diagnostics, LLC DBA Color Health
Classification: Pathogenic for Hereditary cancer-predisposing syndrome. Last evaluated: 2020-01-15. Review status: criteria provided, single submitter. Criteria: ACMG Guidelines, 2015. Collection method: clinical testing. Allele origin: germline. Not counted in ClinVar's aggregate classification.
Comment: This variant deletes 2 nucleotides in exon 11 of the BRCA2 gene, creating a frameshift and premature translation stop signal. This variant is expected to result in an absent or non-functional protein product. This variant has not been identified in the general population by the Genome Aggregation Database (gnomAD). Loss of BRCA2 function is a known mechanism of disease. Based on the available evidence, this variant is classified as Pathogenic.

Gharavi Laboratory, Columbia University
Classification: Pathogenic. Last evaluated: 2018-09-16. Review status: no assertion criteria provided. Criteria: ACMG Guidelines, 2015. Collection method: research. Allele origin: germline. Affected: yes. Not counted in ClinVar's aggregate classification.

Sharing Clinical Reports Project (SCRP)
Classification: Pathogenic for Breast-ovarian cancer, familial 2. Last evaluated: 2012-04-18. Review status: no assertion criteria provided. Collection method: clinical testing. Allele origin: germline. Not counted in ClinVar's aggregate classification.

Literature cited by the submitters: PubMed 40361347 (cited by Women's Health and Genetics/Laboratory Corporation of America, LabCorp); PubMed 20104584 (cited by Labcorp Genetics (formerly Invitae), Labcorp).

NM_000059.4(BRCA2):c.2623_2624del (p.Val875fs)

Gene: BRCA2 (BRCA2 DNA repair associated; plus strand). Cytogenetic location: 13q13.1.
Variant type: Deletion.
Coding change: c.2623_2624del on transcript NM_000059.4 (MANE Select); coding-DNA positions 2623 to 2624, 2 bases deleted (GT; older notation c.2623_2624delGT).
Protein change: p.Val875fs; shifts the reading frame from valine 875.
Molecular consequence: frameshift variant.
Genome position (GRCh38, 1-based): chr13:32,336,978-32,336,979, GT deleted; deleting any 2 consecutive bases within chr13:32,336,977-32,336,979 gives the same sequence; the c. name uses the placement nearest the transcript's 3' end. VCF-style (leftmost placement, unchanged base first): chr13-32336976-CTG-C. GRCh37 (hg19) VCF-style: chr13-32911113-CTG-C.
Other names: 2851delGT; c.2623_2624delGT (NM_000059.3); short protein forms V875fs.
Identifiers: ClinVar variation 231054 (VCV000231054.22), dbSNP rs876658928, ClinGen allele CA10579542.